The following is an entry in ClinVar:

ClinVar aggregate classification (germline): Uncertain significance (1 of 4 stars; one submission).

Conditions:
Neurofibromatosis, type 1 (NF1). Also called: NEUROFIBROMATOSIS, TYPE I, SOMATIC; Peripheral type neurofibromatosis; VON RECKLINGHAUSEN DISEASE; Neurofibromatosis, type I. Identifiers: Orphanet 636, MedGen C0027831, MONDO:0018975, OMIM 162200. Disease mechanism: loss of function.

Submission:

Labcorp Genetics (formerly Invitae), Labcorp
Classification: Uncertain significance for Neurofibromatosis, type 1. Last evaluated: 2020-02-20. Review status: criteria provided, single submitter. Criteria: Invitae Variant Classification Sherloc (09022015). Collection method: clinical testing. Allele origin: germline.
Comment: In summary, the available evidence is currently insufficient to determine the role of this variant in disease. Therefore, it has been classified as a Variant of Uncertain Significance. This variant has not been reported in the literature in individuals with NF1-related conditions. Algorithms developed to predict the effect of missense changes on protein structure and function are either unavailable or do not agree on the potential impact of this missense change (SIFT: "Deleterious"; PolyPhen-2: "Probably Damaging"; Align-GVGD: "Class C0"). This variant is not present in population databases (ExAC no frequency). This sequence change replaces leucine with proline at codon 1923 of the NF1 protein (p.Leu1923Pro). The leucine residue is moderately conserved and there is a moderate physicochemical difference between leucine and proline.

NM_001042492.3(NF1):c.5831T>C (p.Leu1944Pro)

Gene: NF1 (neurofibromin 1; plus strand). Cytogenetic location: 17q11.2.
Variant type: single nucleotide variant.
Coding change: c.5831T>C on transcript NM_001042492.3 (MANE Select); coding-DNA position 5831, T replaced by C.
Protein change: p.Leu1944Pro; replaces leucine 1944 with proline.
Molecular consequence: missense variant.
Genome position (GRCh38, 1-based): chr17:31,334,856, T>C. VCF-style: chr17-31334856-T-C. GRCh37 (hg19) VCF-style: chr17-29661874-T-C.
Other names: c.5768T>C, p.Leu1923Pro (NM_000267.4); short protein forms L1923P, L1944P.
Identifiers: ClinVar variation 1007597 (VCV001007597.5), dbSNP rs2069601725, ClinGen allele CA399010592.